The following is an entry in ClinVar:

NM_015046.7(SETX):c.718+3G>C

Gene: SETX (senataxin; minus strand). Cytogenetic location: 9q34.13.
Variant type: single nucleotide variant.
Coding change: c.718+3G>C on transcript NM_015046.7 (MANE Select); 3 bases into the intron after coding-DNA position 718, G replaced by C.
Molecular consequence: intron variant.
Genome position (GRCh38, 1-based): chr9:132,336,293, C>G on the plus strand (G>C on the coding strand, the complement: SETX is on the minus strand). VCF-style: chr9-132336293-C-G. GRCh37 (hg19) VCF-style: chr9-135211680-C-G.
Other names: c.718+3G>C (NM_001351528.2, NM_001351527.2).
Identifiers: ClinVar variation 1366780 (VCV001366780.29), dbSNP rs2131504173, ClinGen allele CA2573144032.

ClinVar aggregate classification (germline): Uncertain significance. Review status: criteria provided, multiple submitters, no conflicts (2 of 4 stars). 3 submissions from 3 submitters: Uncertain significance (2). 1 of the submissions does not count toward it. Last evaluated 2024-02-01.

Conditions:
Spinocerebellar ataxia, autosomal recessive, with axonal neuropathy 2 (SCAN2). Also called: ATAXIA-OCULOMOTOR APRAXIA 2; Ataxia-ocular apraxia-2; Ataxia with Oculomotor Apraxia; Ataxia with Oculomotor Apraxia Type 2. Identifiers: Orphanet 64753, MedGen C1853761, MONDO:0018996, OMIM 606002.
Amyotrophic lateral sclerosis type 4 (ALS4). Also called: AMYOTROPHIC LATERAL SCLEROSIS 4, JUVENILE; NEURONOPATHY, DISTAL HEREDITARY MOTOR, WITH PYRAMIDAL FEATURES. Identifiers: Orphanet 357043, MedGen C1865409, MONDO:0011223, OMIM 602433.

Allele frequency attached by ClinVar (database versions not stated): gnomAD exomes below 0.00001.

Submissions (3):

CeGaT Center for Human Genetics Tuebingen
Classification: Uncertain significance. Last evaluated: 2024-02-01. Review status: criteria provided, single submitter. Criteria: CeGaT Center For Human Genetics Tuebingen Variant Classification Criteria Version 2. Collection method: clinical testing. Allele origin: germline. Affected: yes. Observed: 1 variant allele.
Comment: SETX: PM2, PM3:Supporting, PP3

Labcorp Genetics (formerly Invitae), Labcorp
Classification: Uncertain significance for Amyotrophic lateral sclerosis type 4; Spinocerebellar ataxia, autosomal recessive, with axonal neuropathy 2. Last evaluated: 2021-01-25. Review status: criteria provided, single submitter. Criteria: Invitae Variant Classification Sherloc (09022015). Collection method: clinical testing. Allele origin: germline.
Comment: Nucleotide substitutions within the consensus splice site are a relatively common cause of aberrant splicing (PMID: 17576681, 9536098). Algorithms developed to predict the effect of sequence changes on RNA splicing suggest that this variant may disrupt the consensus splice site, but this prediction has not been confirmed by published transcriptional studies. This variant has not been reported in the literature in individuals with SETX-related conditions. This variant is not present in population databases (ExAC no frequency). This sequence change falls in intron 6 of the SETX gene. It does not directly change the encoded amino acid sequence of the SETX protein. It affects a nucleotide within the consensus splice site of the intron. In summary, the available evidence is currently insufficient to determine the role of this variant in disease. Therefore, it has been classified as a Variant of Uncertain Significance.

Clinical Genetics, Synlab MVZ Humangenetik Freiburg
Classification: Likely pathogenic for Spinocerebellar ataxia, autosomal recessive, with axonal neuropathy 2. Last evaluated: 2023-03-30. Review status: no assertion criteria provided. Collection method: clinical testing. Allele origin: germline. Inheritance: Autosomal recessive inheritance. Affected: yes. Not counted in ClinVar's aggregate classification.
Comment: The variant has not previously been described as pathogenic (HGMD Professional 2022.4) and is not listed in control databases (dbSNP, gnomAD v2.1.1). The in silico prediction program Ada-boost via VarVis (Jian et al., 2014) evaluates the influence on the splicing behaviour overall as damaging.

Literature cited by the submitters: PubMed 17576681 (cited by Labcorp Genetics (formerly Invitae), Labcorp); PubMed 9536098 (cited by Labcorp Genetics (formerly Invitae), Labcorp).